The following is an entry in ClinVar:

ClinVar aggregate classification (germline): Uncertain significance. Review status: criteria provided, multiple submitters, no conflicts (2 of 4 stars). 2 submissions from 2 submitters: Uncertain significance (2). Last evaluated 2025-11-17.

Conditions:
Menke-Hennekam syndrome 1 (MKHK1). Identifiers: MedGen C5193034, MONDO:0020763, OMIM 618332.
Rubinstein-Taybi syndrome due to CREBBP mutations (RSTS1). Also called: RUBINSTEIN-TAYBI SYNDROME 1, INCOMPLETE; BROAD THUMB-HALLUX SYNDROME; Rubinstein-Taybi syndrome 1; CREBBP-Related Rubinstein-Taybi Syndrome; BROAD THUMBS AND GREAT TOES, CHARACTERISTIC FACIES, AND IMPAIRED INTELLECTUAL DEVELOPMENT; RUBINSTEIN SYNDROME. Identifiers: Orphanet 353277, Orphanet 783, MedGen C4551859, MONDO:0008393, OMIM 180849.
Rubinstein-Taybi syndrome (RSTS). Identifiers: Orphanet 783, MedGen C0035934, MONDO:0019188.

Allele frequency attached by ClinVar (database versions not stated): gnomAD exomes 0.00001; TOPMed 0.00002; ESP Exome Variant Server 0.00008.
gnomAD v4.1: 14 of 1,613,806 alleles (0.00087%); highest among the groups gnomAD compares: Non-Finnish European, 0.0012%; no homozygotes.

Submissions (2):

Labcorp Genetics (formerly Invitae), Labcorp
Classification: Uncertain significance for Rubinstein-Taybi syndrome. Last evaluated: 2025-11-17. Review status: criteria provided, single submitter. Criteria: Invitae Variant Classification Sherloc (09022015). Collection method: clinical testing. Allele origin: germline.
Comment: This sequence change replaces serine, which is neutral and polar, with arginine, which is basic and polar, at codon 1325 of the CREBBP protein (p.Ser1325Arg). This variant is not present in population databases (gnomAD no frequency). This variant has not been reported in the literature in individuals affected with CREBBP-related conditions. ClinVar contains an entry for this variant (Variation ID: 2966762). Invitae Evidence Modeling of protein sequence and biophysical properties (such as structural, functional, and spatial information, amino acid conservation, physicochemical variation, residue mobility, and thermodynamic stability) indicates that this missense variant is not expected to disrupt CREBBP protein function with a negative predictive value of 95%. In summary, the available evidence is currently insufficient to determine the role of this variant in disease. Therefore, it has been classified as a Variant of Uncertain Significance.

Fulgent Genetics
Classification: Uncertain significance for Rubinstein-Taybi syndrome due to CREBBP mutations; Menke-Hennekam syndrome 1. Last evaluated: 2024-04-03. Review status: criteria provided, single submitter. Criteria: ACMG Guidelines, 2015. Collection method: clinical testing. Allele origin: germline.

NM_004380.3(CREBBP):c.3973A>C (p.Ser1325Arg)

Gene: CREBBP (CREB binding lysine acetyltransferase; minus strand). Cytogenetic location: 16p13.3.
Variant type: single nucleotide variant.
Coding change: c.3973A>C on transcript NM_004380.3 (MANE Select); coding-DNA position 3973, A replaced by C.
Protein change: p.Ser1325Arg; replaces serine 1325 with arginine.
Molecular consequence: missense variant.
Genome position (GRCh38, 1-based): chr16:3,744,903, T>G on the plus strand (A>C on the coding strand, the complement: CREBBP is on the minus strand). VCF-style: chr16-3744903-T-G. GRCh37 (hg19) VCF-style: chr16-3794904-T-G.
Other names: c.3859A>C, p.Ser1287Arg (NM_001079846.1); short protein forms S1287R, S1325R.
Identifiers: ClinVar variation 2966762 (VCV002966762.4), dbSNP rs375750157, ClinGen allele CA276987224.